The following is an entry in ClinVar:

NM_153460.4(IL17RC):c.128-2A>C

Gene: IL17RC (interleukin 17 receptor C; plus strand). Cytogenetic location: 3p25.3.
Variant type: single nucleotide variant.
Coding change: c.128-2A>C on transcript NM_153460.4 (MANE Select); the canonical splice acceptor site of the intron before coding-DNA position 128, A replaced by C.
Molecular consequence: splice acceptor variant.
Genome position (GRCh38, 1-based): chr3:9,917,921, A>C. VCF-style: chr3-9917921-A-C. GRCh37 (hg19) VCF-style: chr3-9959605-A-C.
Other names: c.341-2A>C (NM_153461.4); c.128-2A>C (NM_001203263.2, NM_001203264.2, NM_001367278.1 and 5 more transcripts).
Identifiers: ClinVar variation 955073 (VCV000955073.7), dbSNP rs2083236031, ClinGen allele CA351754681.

ClinVar aggregate classification (germline): Uncertain significance (1 of 4 stars; one submission).

Conditions:
Candidiasis, familial, 9 (CANDF9). Identifiers: Orphanet 1334, MedGen C4225324, MONDO:0014642, OMIM 616445.

Submission:

Labcorp Genetics (formerly Invitae), Labcorp
Classification: Uncertain significance for Candidiasis, familial, 9. Last evaluated: 2025-10-22. Review status: criteria provided, single submitter. Criteria: Invitae Variant Classification Sherloc (09022015). Collection method: clinical testing. Allele origin: germline.
Comment: This sequence change affects an acceptor splice site in intron 2 of the IL17RC gene. It is expected to disrupt RNA splicing. Variants that disrupt the donor or acceptor splice site typically lead to a loss of protein function (PMID: 16199547), however the current clinical and genetic evidence is not sufficient to establish whether loss-of-function variants in IL17RC cause disease. This variant is not present in population databases (gnomAD no frequency). This variant has not been reported in the literature in individuals affected with IL17RC-related conditions. ClinVar contains an entry for this variant (Variation ID: 955073). Algorithms developed to predict the effect of sequence changes on RNA splicing suggest that this variant may disrupt the consensus splice site. In summary, the available evidence is currently insufficient to determine the role of this variant in disease. Therefore, it has been classified as a Variant of Uncertain Significance.

Literature cited by the submitters: PubMed 16199547.